The following is an entry in ClinVar:

ClinVar aggregate classification (germline): Uncertain significance (1 of 4 stars; one submission).

Conditions:
Long QT syndrome (LQTS). Identifiers: MedGen C0023976, MeSH D008133, MONDO:0002442. Disease mechanism: loss of function. Inheritance: Various modes of inheritance.

Submission:

Labcorp Genetics (formerly Invitae), Labcorp
Classification: Uncertain significance for Long QT syndrome. Last evaluated: 2024-10-21. Review status: criteria provided, single submitter. Criteria: Invitae Variant Classification Sherloc (09022015). Collection method: clinical testing. Allele origin: germline.
Comment: This sequence change replaces aspartic acid, which is acidic and polar, with asparagine, which is neutral and polar, at codon 16 of the KCNH2 protein (p.Asp16Asn). This variant is present in population databases (rs770772057, gnomAD 0.001%). This variant has not been reported in the literature in individuals affected with KCNH2-related conditions. An algorithm developed to predict the effect of missense changes on protein structure and function (PolyPhen-2) suggests that this variant is likely to be tolerated. In summary, the available evidence is currently insufficient to determine the role of this variant in disease. Therefore, it has been classified as a Variant of Uncertain Significance.

NM_000238.4(KCNH2):c.46G>A (p.Asp16Asn)

Gene: KCNH2 (potassium voltage-gated channel subfamily H member 2; minus strand). Cytogenetic location: 7q36.1.
Variant type: single nucleotide variant.
Coding change: c.46G>A on transcript NM_000238.4 (MANE Select); coding-DNA position 46, G replaced by A.
Protein change: p.Asp16Asn; replaces aspartic acid 16 with asparagine.
Molecular consequence: missense variant. On other transcripts: non-coding transcript variant (1).
Genome position (GRCh38, 1-based): chr7:150,977,868, C>T on the plus strand (G>A on the coding strand, the complement: KCNH2 is on the minus strand). VCF-style: chr7-150977868-C-T. GRCh37 (hg19) VCF-style: chr7-150674956-C-T.
Other names: c.46G>A, p.Asp16Asn (NM_172056.3); short protein forms D16N.
Identifiers: ClinVar variation 3684969 (VCV003684969.2).